The following is an entry in ClinVar:

NM_001098.3(ACO2):c.838A>G (p.Met280Val)

Gene: ACO2 (aconitase 2; plus strand). Cytogenetic location: 22q13.2.
Variant type: single nucleotide variant.
Coding change: c.838A>G on transcript NM_001098.3 (MANE Select); coding-DNA position 838, A replaced by G.
Protein change: p.Met280Val; replaces methionine 280 with valine.
Molecular consequence: missense variant.
Genome position (GRCh38, 1-based): chr22:41,517,529, A>G. VCF-style: chr22-41517529-A-G. GRCh37 (hg19) VCF-style: chr22-41913533-A-G.
Other names: short protein forms M280V.
Identifiers: ClinVar variation 4774163 (VCV004774163.1).

ClinVar aggregate classification (germline): Uncertain significance (1 of 4 stars; one submission).

gnomAD v4.1: 5 of 1,613,592 alleles (0.00031%); highest among the groups gnomAD compares: Non-Finnish European, 0.00042%; no homozygotes.

Submission:

Labcorp Genetics (formerly Invitae), Labcorp
Classification: Uncertain significance. Last evaluated: 2025-12-29. Review status: criteria provided, single submitter. Criteria: Invitae Variant Classification Sherloc (09022015). Collection method: clinical testing. Allele origin: germline.
Comment: This sequence change replaces methionine, which is neutral and non-polar, with valine, which is neutral and non-polar, at codon 280 of the ACO2 protein (p.Met280Val). This variant is present in population databases (rs372292167, gnomAD 0.002%). This variant has not been reported in the literature in individuals affected with ACO2-related conditions. An algorithm developed to predict the effect of missense changes on protein structure and function (PolyPhen-2) suggests that this variant is likely to be disruptive. In summary, the available evidence is currently insufficient to determine the role of this variant in disease. Therefore, it has been classified as a Variant of Uncertain Significance.